The following is an entry in ClinVar:

ClinVar aggregate classification (germline): Uncertain significance (1 of 4 stars; one submission).

Allele frequency attached by ClinVar (database versions not stated): gnomAD exomes below 0.00001; TOPMed below 0.00001.
gnomAD v4.1: 1 of 1,611,982 alleles (0.000062%); highest among the groups gnomAD compares: Admixed American, 0.0017%; no homozygotes.

Submission:

Labcorp Genetics (formerly Invitae), Labcorp
Classification: Uncertain significance. Last evaluated: 2024-12-02. Review status: criteria provided, single submitter. Criteria: Invitae Variant Classification Sherloc (09022015). Collection method: clinical testing. Allele origin: germline.
Comment: This sequence change replaces glutamic acid, which is acidic and polar, with glutamine, which is neutral and polar, at codon 739 of the MYO7A protein (p.Glu739Gln). This variant is not present in population databases (gnomAD no frequency). This variant has not been reported in the literature in individuals affected with MYO7A-related conditions. ClinVar contains an entry for this variant (Variation ID: 1370621). Invitae Evidence Modeling of protein sequence and biophysical properties (such as structural, functional, and spatial information, amino acid conservation, physicochemical variation, residue mobility, and thermodynamic stability) indicates that this missense variant is not expected to disrupt MYO7A protein function with a negative predictive value of 95%. In summary, the available evidence is currently insufficient to determine the role of this variant in disease. Therefore, it has been classified as a Variant of Uncertain Significance.

NM_000260.4(MYO7A):c.2215G>C (p.Glu739Gln)

Gene: MYO7A (myosin VIIA; plus strand). Cytogenetic location: 11q13.5.
Variant type: single nucleotide variant.
Coding change: c.2215G>C on transcript NM_000260.4 (MANE Select); coding-DNA position 2215, G replaced by C.
Protein change: p.Glu739Gln; replaces glutamic acid 739 with glutamine.
Molecular consequence: missense variant.
Genome position (GRCh38, 1-based): chr11:77,177,576, G>C. VCF-style: chr11-77177576-G-C. GRCh37 (hg19) VCF-style: chr11-76888622-G-C.
Other names: c.2215G>C, p.Glu739Gln (NM_001127180.2); c.2182G>C, p.Glu728Gln (NM_001369365.1); short protein forms E728Q, E739Q.
Identifiers: ClinVar variation 1370621 (VCV001370621.8), dbSNP rs1954751816, ClinGen allele CA381940417.